The following is an entry in ClinVar:

NM_000057.4(BLM):c.3695T>C (p.Val1232Ala)

Gene: BLM (BLM RecQ like helicase; plus strand). Cytogenetic location: 15q26.1.
Variant type: single nucleotide variant.
Coding change: c.3695T>C on transcript NM_000057.4 (MANE Select); coding-DNA position 3695, T replaced by C.
Protein change: p.Val1232Ala; replaces valine 1232 with alanine.
Molecular consequence: missense variant. On other transcripts: intron variant (1).
Genome position (GRCh38, 1-based): chr15:90,804,303, T>C. VCF-style: chr15-90804303-T-C. GRCh37 (hg19) VCF-style: chr15-91347533-T-C.
Other names: c.3695T>C, p.Val1232Ala (NM_001287246.2); c.2570T>C, p.Val857Ala (NM_001287248.2); c.3359-4834T>C (NM_001287247.2); short protein forms V857A, V1232A.
Identifiers: ClinVar variation 3991670 (VCV003991670.1).
Genomic context (GRCh38, chr15:90,804,303, plus strand): 5'-AAGAGATGGTTAAAAAATGTCTTGGAGAACTTACAGAAGTCTGCAAATCTCTGGGGAAAG[T>C]TTTTGGTGTCCATTACTTCAATATTTTTAATACCGTCACTCTCAAGAAGCTTGCAGGTGG-3'
Protein context (NP_000048.1, residues 1222-1242): LTEVCKSLGK[Val1232Ala]FGVHYFNIFN

ClinVar aggregate classification (germline): Uncertain significance (1 of 4 stars; one submission).

Conditions:
Hereditary cancer-predisposing syndrome. Also called: Tumor predisposition; Hereditary neoplastic syndrome; Neoplastic Syndromes, Hereditary; Hereditary Cancer Syndrome. Identifiers: Orphanet 140162, MedGen C0027672, MeSH D009386, MONDO:0015356.

Submission:

Ambry Genetics
Classification: Uncertain significance for Hereditary cancer-predisposing syndrome. Last evaluated: 2025-05-16. Review status: criteria provided, single submitter. Criteria: Ambry Variant Classification Scheme 2023. Collection method: clinical testing. Allele origin: germline.
Comment: The p.V1232A variant (also known as c.3695T>C), located in coding exon 18 of the BLM gene, results from a T to C substitution at nucleotide position 3695. The valine at codon 1232 is replaced by alanine, an amino acid with similar properties. This amino acid position is conserved. In addition, this alteration is predicted to be tolerated by in silico analysis. Based on the available evidence, the clinical significance of this variant remains unclear.